The following is an entry in ClinVar:

NM_000388.4(CASR):c.2759G>A (p.Ser920Asn)

Gene: CASR (calcium sensing receptor; plus strand). Cytogenetic location: 3q21.1.
Variant type: single nucleotide variant.
Coding change: c.2759G>A on transcript NM_000388.4 (MANE Select); coding-DNA position 2759, G replaced by A.
Protein change: p.Ser920Asn; replaces serine 920 with asparagine.
Molecular consequence: missense variant.
Genome position (GRCh38, 1-based): chr3:122,284,713, G>A. VCF-style: chr3-122284713-G-A. GRCh37 (hg19) VCF-style: chr3-122003560-G-A.
Other names: c.2789G>A, p.Ser930Asn (NM_001178065.2); short protein forms S920N, S930N.
Identifiers: ClinVar variation 1432242 (VCV001432242.6), dbSNP rs767241288, ClinGen allele CA2569857.

ClinVar aggregate classification (germline): Uncertain significance (1 of 4 stars; one submission).

Conditions:
Familial hypocalciuric hypercalcemia (FHH). Also called: Familial benign hypercalcemia. Identifiers: Orphanet 405, MedGen C1809471, MONDO:0018458.
Autosomal dominant hypocalcemia 1 (HYPOC1). Also called: HYPOCALCEMIA, FAMILIAL. Identifiers: MedGen C3715128, MONDO:0011013, OMIM 601198.

Allele frequency attached by ClinVar (database versions not stated): gnomAD exomes below 0.00001; TOPMed below 0.00001; ExAC 0.00001.
gnomAD v4.1: 1 of 1,614,122 alleles (0.000062%); highest among the groups gnomAD compares: Non-Finnish European, 0.000085%; no homozygotes.

Submission:

Labcorp Genetics (formerly Invitae), Labcorp
Classification: Uncertain significance for Familial hypocalciuric hypercalcemia; Autosomal dominant hypocalcemia 1. Last evaluated: 2022-05-29. Review status: criteria provided, single submitter. Criteria: Invitae Variant Classification Sherloc (09022015). Collection method: clinical testing. Allele origin: germline.
Comment: This variant is not present in population databases (gnomAD no frequency). In summary, the available evidence is currently insufficient to determine the role of this variant in disease. Therefore, it has been classified as a Variant of Uncertain Significance. Algorithms developed to predict the effect of missense changes on protein structure and function (SIFT, PolyPhen-2, Align-GVGD) all suggest that this variant is likely to be tolerated. ClinVar contains an entry for this variant (Variation ID: 1432242). This variant has not been reported in the literature in individuals affected with CASR-related conditions. This sequence change replaces serine, which is neutral and polar, with asparagine, which is neutral and polar, at codon 920 of the CASR protein (p.Ser920Asn).